The following is an entry in ClinVar:

ClinVar aggregate classification (germline): Uncertain significance. Review status: criteria provided, multiple submitters, no conflicts (2 of 4 stars). 3 submissions from 3 submitters: Uncertain significance (3). Last evaluated 2026-07-07.

Conditions:
Hereditary cancer-predisposing syndrome. Also called: Neoplastic Syndromes, Hereditary; Hereditary Cancer Syndrome; Tumor predisposition; Hereditary neoplastic syndrome. Identifiers: Orphanet 140162, MedGen C0027672, MeSH D009386, MONDO:0015356.
BAP1-related tumor predisposition syndrome (TPDS1). Also called: BAP1 tumor predisposition syndrome; COMMON Syndrome; TUMOR PREDISPOSITION SYNDROME 1; Tumor susceptibility linked to germline BAP1 mutations. Identifiers: Orphanet 289539, MedGen C3280492, MONDO:0013692, OMIM 614327.

Submissions (3):

Ambry Genetics
Classification: Uncertain significance for Hereditary cancer-predisposing syndrome. Last evaluated: 2026-07-07. Review status: criteria provided, single submitter. Criteria: Ambry Variant Classification Scheme 2023. Collection method: clinical testing. Allele origin: germline.
Comment: The p.S468G variant (also known as c.1402A>G), located in coding exon 13 of the BAP1 gene, results from an A to G substitution at nucleotide position 1402. The serine at codon 468 is replaced by glycine, an amino acid with similar properties. This amino acid position is conserved. In addition, this alteration is predicted to be tolerated by in silico analysis. Based on the available evidence, the clinical significance of this variant remains unclear.

Labcorp Genetics (formerly Invitae), Labcorp
Classification: Uncertain significance for BAP1-related tumor predisposition syndrome. Last evaluated: 2025-11-24. Review status: criteria provided, single submitter. Criteria: Invitae Variant Classification Sherloc (09022015). Collection method: clinical testing. Allele origin: germline.
Comment: This sequence change replaces serine, which is neutral and polar, with glycine, which is neutral and non-polar, at codon 468 of the BAP1 protein (p.Ser468Gly). This variant is not present in population databases (gnomAD no frequency). This variant has not been reported in the literature in individuals affected with BAP1-related conditions. ClinVar contains an entry for this variant (Variation ID: 918423). Invitae Evidence Modeling of protein sequence and biophysical properties (such as structural, functional, and spatial information, amino acid conservation, physicochemical variation, residue mobility, and thermodynamic stability) indicates that this missense variant is not expected to disrupt BAP1 protein function with a negative predictive value of 80%. In summary, the available evidence is currently insufficient to determine the role of this variant in disease. Therefore, it has been classified as a Variant of Uncertain Significance.

Color Diagnostics, LLC DBA Color Health
Classification: Uncertain significance for Hereditary cancer-predisposing syndrome. Last evaluated: 2023-12-05. Review status: criteria provided, single submitter. Criteria: ACMG Guidelines, 2015. Collection method: clinical testing. Allele origin: germline.
Comment: This missense variant replaces serine with glycine at codon 468 of the BAP1 protein. Computational prediction tools and conservation analyses are inconclusive regarding the impact of this variant on protein structure and function. Splice site prediction tools suggest that this variant may not impact RNA splicing. To our knowledge, functional studies have not been performed for this variant. This variant has not been reported in individuals affected with hereditary cancer in the literature. This variant has not been identified in the general population by the Genome Aggregation Database (gnomAD). The available evidence is insufficient to determine the role of this variant in disease conclusively. Therefore, this variant is classified as a Variant of Uncertain Significance.

NM_004656.4(BAP1):c.1402A>G (p.Ser468Gly)

Gene: BAP1 (BRCA1 associated deubiquitinase 1; minus strand). Cytogenetic location: 3p21.1.
Variant type: single nucleotide variant.
Coding change: c.1402A>G on transcript NM_004656.4 (MANE Select); coding-DNA position 1402, A replaced by G.
Protein change: p.Ser468Gly; replaces serine 468 with glycine.
Molecular consequence: missense variant.
Genome position (GRCh38, 1-based): chr3:52,403,743, T>C on the plus strand (A>G on the coding strand, the complement: BAP1 is on the minus strand). VCF-style: chr3-52403743-T-C. GRCh37 (hg19) VCF-style: chr3-52437759-T-C.
Other names: c.1402A>G (NM_004656.2); short protein forms S468G.
Identifiers: ClinVar variation 918423 (VCV000918423.9), dbSNP rs1705053958, ClinGen allele CA353101562.
Genomic context (GRCh38, chr3:52,403,743, plus strand): 5'-GGGTGGGTGAGGGCTGCGAGTGTGTGGGCACTGCCACAGCCGGACTCCCAGCCCCGCTGC[T>C]AGTCTTGATGGACAGAGGAATTGAGAGGTCCTTCTGGGACTCTTTGAGCTTCTCAGCCAA-3'
Protein context (NP_004647.1, residues 458-478): DLSIPLSIKT[Ser468Gly]SGAGSPAVAV